The following is an entry in ClinVar:

NM_002471.4(MYH6):c.3817A>T (p.Asn1273Tyr)

Gene: MYH6 (myosin heavy chain 6; minus strand). Cytogenetic location: 14q11.2.
Variant type: single nucleotide variant.
Coding change: c.3817A>T on transcript NM_002471.4 (MANE Select); coding-DNA position 3817, A replaced by T.
Protein change: p.Asn1273Tyr; replaces asparagine 1273 with tyrosine.
Molecular consequence: missense variant.
Genome position (GRCh38, 1-based): chr14:23,389,635, T>A on the plus strand (A>T on the coding strand, the complement: MYH6 is on the minus strand). VCF-style: chr14-23389635-T-A. GRCh37 (hg19) VCF-style: chr14-23858844-T-A.
Other names: short protein forms N1273Y.
Identifiers: ClinVar variation 191715 (VCV000191715.3), dbSNP rs200503588, ClinGen allele CA237354.

ClinVar aggregate classification (germline): Uncertain significance. Review status: criteria provided, multiple submitters, no conflicts (2 of 4 stars). 3 submissions from 3 submitters: Uncertain significance (3). Last evaluated 2025-05-08.

Conditions:
Cardiovascular phenotype. Identifiers: MedGen CN230736.
Hypertrophic cardiomyopathy 14. Identifiers: MedGen C2750467, MONDO:0013197, OMIM 613251.

Allele frequency attached by ClinVar (database versions not stated): TOPMed 0.00001.
gnomAD v4.1: 3 of 1,614,110 alleles (0.00019%); highest among the groups gnomAD compares: African/African-American, 0.0013%; no homozygotes.

Submissions (3):

Ambry Genetics
Classification: Uncertain significance for Cardiovascular phenotype. Last evaluated: 2025-05-08. Review status: criteria provided, single submitter. Criteria: Ambry Variant Classification Scheme 2023. Collection method: clinical testing. Allele origin: germline.
Comment: The p.N1273Y variant (also known as c.3817A>T), located in coding exon 25 of the MYH6 gene, results from an A to T substitution at nucleotide position 3817. The asparagine at codon 1273 is replaced by tyrosine, an amino acid with dissimilar properties. This amino acid position is well conserved in available vertebrate species. In addition, the in silico prediction for this alteration is inconclusive. Based on the available evidence, the clinical significance of this variant remains unclear.

Labcorp Genetics (formerly Invitae), Labcorp
Classification: Uncertain significance for Hypertrophic cardiomyopathy 14. Last evaluated: 2025-04-27. Review status: criteria provided, single submitter. Criteria: Invitae Variant Classification Sherloc (09022015). Collection method: clinical testing. Allele origin: germline.
Comment: This sequence change replaces asparagine, which is neutral and polar, with tyrosine, which is neutral and polar, at codon 1273 of the MYH6 protein (p.Asn1273Tyr). This variant is not present in population databases (gnomAD no frequency). This variant has not been reported in the literature in individuals affected with MYH6-related conditions. ClinVar contains an entry for this variant (Variation ID: 191715). Invitae Evidence Modeling of protein sequence and biophysical properties (such as structural, functional, and spatial information, amino acid conservation, physicochemical variation, residue mobility, and thermodynamic stability) has been performed for this missense variant. However, the output from this modeling did not meet the statistical confidence thresholds required to predict the impact of this variant on MYH6 protein function. In summary, the available evidence is currently insufficient to determine the role of this variant in disease. Therefore, it has been classified as a Variant of Uncertain Significance.

Biesecker Lab/Clinical Genomics Section, National Institutes of Health
Classification: Uncertain significance. Last evaluated: 2013-06-24. Review status: criteria provided, single submitter. Criteria: Ng et al. (Circ Cardiovasc Genet. 2013). Collection method: research. Allele origin: unknown. Observed: 1 variant allele. Study: ClinSeq.
Comment: The study set was not selected for affection status in relation to any cancer. Pathogenicity categories were based on literature curation. See Pubmed ID:23861362 for details.

Medical sequencing